The following is an entry in ClinVar:

ClinVar aggregate classification (germline): Conflicting classifications of pathogenicity. Review status: criteria provided, conflicting classifications (1 of 4 stars). 4 submissions from 4 submitters: Pathogenic (1); Uncertain significance (1). 2 of the submissions do not count toward it. Last evaluated 2024-03-29.

Conditions:
Nephrotic syndrome, type 2 (NPHS2). Also called: NEPHROTIC SYNDROME, STEROID-RESISTANT, AUTOSOMAL RECESSIVE. Identifiers: Orphanet 656, MedGen C1868672, MONDO:0010974, OMIM 600995.

Submissions (4):

Genomic Medicine Center of Excellence, King Faisal Specialist Hospital and Research Centre
Classification: Uncertain significance for Nephrotic syndrome, type 2. Last evaluated: 2024-03-29. Review status: criteria provided, single submitter. Criteria: ACMG Guidelines, 2015. Collection method: clinical testing. Allele origin: germline.

Baylor Genetics
Classification: Pathogenic for Nephrotic syndrome, type 2. Last evaluated: 2019-11-15. Review status: criteria provided, single submitter. Criteria: ACMG Guidelines, 2015. Collection method: clinical testing. Allele origin: unknown. Affected: yes.
Comment: This variant was determined to be pathogenic according to ACMG Guidelines, 2015 [PMID:25741868].

Bioscientia Institut fuer Medizinische Diagnostik GmbH, Sonic Healthcare
Classification: Pathogenic for Nephrotic syndrome, type 2. Last evaluated: 2019-08-07. Review status: no assertion criteria provided. Collection method: clinical testing. Allele origin: germline. Affected: yes. Not counted in ClinVar's aggregate classification.

Human Genetics Disease in Children – Taif University, Taif University
Classification: Pathogenic for Nephrotic syndrome, type 2. Last evaluated: 2016-01-01. Review status: no assertion criteria provided. Collection method: clinical testing. Allele origin: unknown. Affected: yes. Not counted in ClinVar's aggregate classification.

NM_014625.4(NPHS2):c.115C>T (p.Gln39Ter)

Gene: NPHS2 (NPHS2 stomatin family member, podocin; minus strand). Cytogenetic location: 1q25.2.
Variant type: single nucleotide variant.
Coding change: c.115C>T on transcript NM_014625.4 (MANE Select); coding-DNA position 115, C replaced by T.
Protein change: p.Gln39Ter; replaces glutamine 39 with a stop codon.
Molecular consequence: nonsense.
Genome position (GRCh38, 1-based): chr1:179,575,750, G>A on the plus strand (C>T on the coding strand, the complement: NPHS2 is on the minus strand). VCF-style: chr1-179575750-G-A. GRCh37 (hg19) VCF-style: chr1-179544885-G-A.
Other names: c.115C>T, p.Gln39Ter (NM_001297575.2); short protein forms Q39*.
Identifiers: ClinVar variation 224481 (VCV000224481.5), dbSNP rs869312746, ClinGen allele CA354118.